The following is an entry in ClinVar:

ClinVar aggregate classification (germline): Likely pathogenic (1 of 4 stars; one submission).

Allele frequency attached by ClinVar (database versions not stated): TOPMed below 0.00001.

Submission:

GeneDx
Classification: Likely pathogenic. Last evaluated: 2014-08-15. Review status: criteria provided, single submitter. Criteria: GeneDx Variant Classification (06012015). Collection method: clinical testing. Allele origin: germline. Affected: yes.
Comment: This variant is denoted p.Leu84Pro (CTG>CCG): c.251 T>C in exon 2 of the CAV3 gene (NM_033337.2). The L84P variant has not been published as a mutation, nor has it been reported as a benign polymorphism to our knowledge. The L84P variant was not observed in approximately 6,500 individuals of European and African American ancestry in the NHLBI Exome Sequencing Project, indicating it is not a common benign variant in these populations. The L84P variant is a semi-conservative amino acid substitution at a position located within a helical intramembrane domain, which may impact secondary protein structure as these residues differ in some properties. This substitution occurs at a position that is conserved within mammals. In silico analysis predicts this variant is probably damaging to the protein structure/function. Missense mutations in nearby residues (L79R, V82I, A85T) have been reported in association with arrhythmia, supporting the functional importance of this region of the protein. Therefore, this variant is a strong candidate for a pathogenic mutation, however the possibility that it is a benign variant cannot be excluded. The variant is found in ARRHYTHMIA panel(s).

NM_033337.3(CAV3):c.251T>C (p.Leu84Pro)

Genes: CAV3 (caveolin 3; plus strand), OXTR (oxytocin receptor; minus strand). Cytogenetic location: 3p25.3.
Variant type: single nucleotide variant.
Coding change: c.251T>C on transcript NM_033337.3 (MANE Select); coding-DNA position 251, T replaced by C.
Protein change: p.Leu84Pro; replaces leucine 84 with proline.
Molecular consequence: missense variant.
Genome position (GRCh38, 1-based): chr3:8,745,662, T>C. VCF-style: chr3-8745662-T-C. GRCh37 (hg19) VCF-style: chr3-8787348-T-C.
Other names: p.L84P:CTG>CCG; c.251T>C, p.Leu84Pro (NM_001234.5); short protein forms L84P.
Identifiers: ClinVar variation 180797 (VCV000180797.2), dbSNP rs730880420, ClinGen allele CA295938.